The following is an entry in ClinVar:

NM_006663.4(PPP1R13L):c.2486_2487delinsTC (p.Ter829Phe)

Gene: PPP1R13L (protein phosphatase 1 regulatory subunit 13 like; minus strand). Cytogenetic location: 19q13.32.
Variant type: Indel.
Coding change: c.2486_2487delinsTC on transcript NM_006663.4 (MANE Select); coding-DNA positions 2486 to 2487, AG replaced by TC.
Protein change: p.Ter829Phe.
Molecular consequence: stop lost.
Genome position (GRCh38, 1-based): chr19:45,380,190-45,380,191, CT replaced by GA on the plus strand (AG replaced by TC on the coding strand, the reverse complement: PPP1R13L is on the minus strand). VCF-style: chr19-45380190-CT-GA. GRCh37 (hg19) VCF-style: chr19-45883448-CT-GA.
Other names: c.2486_2487delinsTC, p.Ter829Phe (NM_001142502.2).
Identifiers: ClinVar variation 974803 (VCV000974803.2), dbSNP rs1972735240, ClinGen allele CA1139666484.
Genomic context (GRCh38, chr19:45,380,190, plus strand): 5'-GTCTGGAGGGAAGGCAGGAATGCTTGTTTCTGTCAGCCTCAGAAACCTCCTTCTATCCTG[CT>GA]AGACTTTACTCCTTTGAGGCTTCACCCTGGGGAACAGCTGGGGAGAGACAGGATCTTCAG-3'

ClinVar aggregate classification (germline): Likely pathogenic. Review status: criteria provided, single submitter (1 of 4 stars). 2 submissions from 2 submitters: Likely pathogenic (1). 1 of the submissions does not count toward it. Last evaluated 2020-06-10.

Conditions:
Primary dilated cardiomyopathy (DCM). Also called: Dilated Cardiomyopathy. Identifiers: Orphanet 217604, MedGen C0007193, MeSH D002311, MONDO:0005021, HP:0001644. Inheritance: Various modes of inheritance.
Arrhythmogenic cardiomyopathy with variable ectodermal abnormalities (ARCME). Identifiers: MedGen C5882696, MONDO:0957795, OMIM 620519.

Submissions (2):

Exeter Genomics Laboratory, Royal Devon University Healthcare NHS Foundation Trust
Classification: Likely pathogenic for Primary dilated cardiomyopathy. Last evaluated: 2020-06-10. Review status: criteria provided, single submitter. Criteria: ACMG Guidelines, 2015. Collection method: clinical testing. Allele origin: germline. Affected: yes.
Comment: This variant, NM_001142502.1:c.2486_2487delinsTC, was found in compound heterozygosity with the likely pathogenic variant NM_001142502.1:c.1610del.

OMIM
Classification: Pathogenic for ARRHYTHMOGENIC CARDIOMYOPATHY WITH VARIABLE ECTODERMAL ABNORMALITIES. Last evaluated: 2023-09-26. Review status: no assertion criteria provided. Collection method: literature only. Allele origin: germline. Not counted in ClinVar's aggregate classification.

Literature cited by the submitters: PubMed 32666529 (cited by OMIM).